The following is an entry in ClinVar:

NM_001378183.1(PIEZO2):c.7969G>A (p.Ala2657Thr)

Gene: PIEZO2 (piezo type mechanosensitive ion channel component 2; minus strand). Cytogenetic location: 18p11.22.
Variant type: single nucleotide variant.
Coding change: c.7969G>A on transcript NM_001378183.1 (MANE Select); coding-DNA position 7969, G replaced by A.
Protein change: p.Ala2657Thr; replaces alanine 2657 with threonine.
Molecular consequence: missense variant.
Genome position (GRCh38, 1-based): chr18:10,677,859, C>T on the plus strand (G>A on the coding strand, the complement: PIEZO2 is on the minus strand). VCF-style: chr18-10677859-C-T. GRCh37 (hg19) VCF-style: chr18-10677856-C-T.
Other names: c.7630G>A, p.Ala2544Thr (NM_022068.4); short protein forms A2544T, A2657T.
Identifiers: ClinVar variation 445793 (VCV000445793.22), dbSNP rs147666072, ClinGen allele CA8891853.

ClinVar aggregate classification (germline): Conflicting classifications of pathogenicity. Review status: criteria provided, conflicting classifications (1 of 4 stars). 7 submissions from 7 submitters: Uncertain significance (2); Likely benign (4). 1 of the submissions does not count toward it. Last evaluated 2026-06-01.

Conditions:
PIEZO2-related disorder. Also called: PIEZO2-related disorders; PIEZO2-related condition.
Inborn genetic diseases. Identifiers: MedGen C0950123, MeSH D030342.
Arthrogryposis, distal, with impaired proprioception and touch (DAIPT). Identifiers: MedGen C4310692, MONDO:0014941, OMIM 617146.

Allele frequency attached by ClinVar (database versions not stated): 1000 Genomes Project 30x 0.00016; 1000 Genomes Project 0.00020; ExAC 0.00084; gnomAD exomes 0.00106 and 0.00130; ESP Exome Variant Server 0.00108; gnomAD 0.00109 and 0.00113; TOPMed 0.00138.
gnomAD v4.1: 2,033 of 1,590,704 alleles (0.13%); highest among the groups gnomAD compares: Non-Finnish European, 0.15%; 7 homozygotes.

Submissions (7):

CeGaT Center for Human Genetics Tuebingen
Classification: Likely benign. Last evaluated: 2026-06-01. Review status: criteria provided, single submitter. Criteria: CeGaT Center For Human Genetics Tuebingen Variant Classification Criteria Version 2. Collection method: clinical testing. Allele origin: germline. Affected: yes. Observed: 1 variant allele.
Comment: PIEZO2: BS2

Labcorp Genetics (formerly Invitae), Labcorp
Classification: Likely benign. Last evaluated: 2025-12-23. Review status: criteria provided, single submitter. Criteria: Invitae Variant Classification Sherloc (09022015). Collection method: clinical testing. Allele origin: germline.

Ambry Genetics
Classification: Uncertain significance for Inborn genetic diseases. Last evaluated: 2021-10-18. Review status: criteria provided, single submitter. Criteria: Ambry Variant Classification Scheme 2023. Collection method: clinical testing. Allele origin: germline.

GeneDx
Classification: Likely benign. Last evaluated: 2021-04-27. Review status: criteria provided, single submitter. Criteria: GeneDx Variant Classification Process June 2021. Collection method: clinical testing. Allele origin: germline. Affected: yes.

Centre for Mendelian Genomics, University Medical Centre Ljubljana
Classification: Uncertain significance for Arthrogryposis, distal, with impaired proprioception and touch. Last evaluated: 2019-03-01. Review status: criteria provided, single submitter. Criteria: ACMG Guidelines, 2015. Collection method: clinical testing. Allele origin: unknown. Affected: yes.
Comment: This variant was classified as: Uncertain significance. The available evidence on this variant's pathogenicity is insufficient or conflicting. The following ACMG criteria were applied in classifying this variant: PP3,BP6.

Center for Pediatric Genomic Medicine, Children's Mercy Hospital and Clinics
Classification: Likely benign. Last evaluated: 2017-05-24. Review status: criteria provided, single submitter. Criteria: ACMG Guidelines, 2015. Collection method: clinical testing. Allele origin: germline.

PreventionGenetics, part of Exact Sciences
Classification: Likely benign for PIEZO2-related condition. Last evaluated: 2020-04-29. Review status: no assertion criteria provided. Collection method: clinical testing. Allele origin: germline. Not counted in ClinVar's aggregate classification.
Comment: This variant is classified as likely benign based on ACMG/AMP sequence variant interpretation guidelines (Richards et al. 2015 PMID: 25741868, with internal and published modifications).